The following is an entry in ClinVar:

ClinVar aggregate classification (germline): Pathogenic (1 of 4 stars; one submission).

Allele frequency attached by ClinVar (database versions not stated): gnomAD exomes below 0.00001.
gnomAD v4.1: 2 of 1,599,104 alleles (0.00013%); highest among the groups gnomAD compares: Middle Eastern, 0.017%; no homozygotes.

Submission:

Labcorp Genetics (formerly Invitae), Labcorp
Classification: Pathogenic. Last evaluated: 2023-07-21. Review status: criteria provided, single submitter. Criteria: Invitae Variant Classification Sherloc (09022015). Collection method: clinical testing. Allele origin: germline.
Comment: This sequence change creates a premature translational stop signal (p.Ser376*) in the TRAPPC12 gene. It is expected to result in an absent or disrupted protein product. Loss-of-function variants in TRAPPC12 are known to be pathogenic (PMID: 28777934). This variant is not present in population databases (gnomAD no frequency). This variant has not been reported in the literature in individuals affected with TRAPPC12-related conditions. ClinVar contains an entry for this variant (Variation ID: 2008693). For these reasons, this variant has been classified as Pathogenic.

Literature cited by the submitters: PubMed 28777934.

NM_016030.6(TRAPPC12):c.1127C>G (p.Ser376Ter)

Gene: TRAPPC12 (trafficking protein particle complex subunit 12; plus strand). Cytogenetic location: 2p25.3.
Variant type: single nucleotide variant.
Coding change: c.1127C>G on transcript NM_016030.6 (MANE Select); coding-DNA position 1127, C replaced by G.
Protein change: p.Ser376Ter; replaces serine 376 with a stop codon.
Molecular consequence: nonsense.
Genome position (GRCh38, 1-based): chr2:3,401,856, C>G. VCF-style: chr2-3401856-C-G. GRCh37 (hg19) VCF-style: chr2-3405627-C-G.
Other names: c.1127C>G, p.Ser376Ter (NM_001321102.2); short protein forms S376*.
Identifiers: ClinVar variation 2008693 (VCV002008693.4), dbSNP rs1572101517, ClinGen allele CA345730864.